The following is an entry in ClinVar:

ClinVar aggregate classification (germline): Uncertain significance (1 of 4 stars; one submission).

Submission:

Labcorp Genetics (formerly Invitae), Labcorp
Classification: Uncertain significance. Last evaluated: 2024-12-04. Review status: criteria provided, single submitter. Criteria: Invitae Variant Classification Sherloc (09022015). Collection method: clinical testing. Allele origin: germline.
Comment: This sequence change replaces proline, which is neutral and non-polar, with arginine, which is basic and polar, at codon 90 of the MSH3 protein (p.Pro90Arg). This variant is not present in population databases (gnomAD no frequency). This variant has not been reported in the literature in individuals affected with MSH3-related conditions. An algorithm developed to predict the effect of missense changes on protein structure and function (PolyPhen-2) suggests that this variant is likely to be tolerated. In summary, the available evidence is currently insufficient to determine the role of this variant in disease. Therefore, it has been classified as a Variant of Uncertain Significance.

NM_002439.5(MSH3):c.269C>G (p.Pro90Arg)

Gene: MSH3 (mutS homolog 3; plus strand). Cytogenetic location: 5q14.1.
Variant type: single nucleotide variant.
Coding change: c.269C>G on transcript NM_002439.5 (MANE Select); coding-DNA position 269, C replaced by G.
Protein change: p.Pro90Arg; replaces proline 90 with arginine.
Molecular consequence: missense variant.
Genome position (GRCh38, 1-based): chr5:80,656,442, C>G. VCF-style: chr5-80656442-C-G. GRCh37 (hg19) VCF-style: chr5-79952261-C-G.
Other names: short protein forms P90R.
Identifiers: ClinVar variation 3685186 (VCV003685186.2).